The following is an entry in ClinVar:

ClinVar aggregate classification (germline): Pathogenic (1 of 4 stars; one submission).

Conditions:
Hyper-IgE recurrent infection syndrome 3, autosomal recessive. Also called: Autosomal recessive hyper-IgE syndrome due to ZNF341 deficiency; HYPER-IgE SYNDROME 3, AUTOSOMAL RECESSIVE, WITH RECURRENT INFECTIONS. Identifiers: Orphanet 641368, MedGen C4748969, MONDO:0032654, OMIM 618282.

Submission:

Labcorp Genetics (formerly Invitae), Labcorp
Classification: Pathogenic for Combined immunodeficiency due to DOCK8 deficiency. Last evaluated: 2024-01-25. Review status: criteria provided, single submitter. Criteria: Invitae Variant Classification Sherloc (09022015). Collection method: clinical testing. Allele origin: germline.
Comment: This variant is a gross deletion of the genomic region encompassing exon(s) 2-4 of the DOCK8 gene. This variant would be expected to be in-frame, preserving the integrity of the reading frame. A similar copy number variant has been observed in individual(s) with clinical features of hyper-IgE syndrome (PMID: 33251169; Invitae). In at least one individual the data is consistent with being in trans (on the opposite chromosome) from a pathogenic variant. For these reasons, this variant has been classified as Pathogenic.

Literature cited by the submitters: PubMed 33251169.

NC_000009.11:g.(?_271607)_(289601_?)del

Gene: DOCK8 (dedicator of cytokinesis 8; plus strand). Cytogenetic location: 9p24.3.
Variant type: Deletion.
Identifiers: ClinVar variation 1349421 (VCV001349421.11).